The following is an entry in ClinVar:

NM_000091.5(COL4A3):c.2704C>T (p.Pro902Ser)

Genes: COL4A3 (collagen type IV alpha 3 chain; plus strand), MFF-DT (MFF divergent transcript; minus strand). Cytogenetic location: 2q36.3.
Variant type: single nucleotide variant.
Coding change: c.2704C>T on transcript NM_000091.5 (MANE Select); coding-DNA position 2704, C replaced by T.
Protein change: p.Pro902Ser; replaces proline 902 with serine.
Molecular consequence: missense variant.
Genome position (GRCh38, 1-based): chr2:227,283,814, C>T. VCF-style: chr2-227283814-C-T. GRCh37 (hg19) VCF-style: chr2-228148530-C-T.
Other names: short protein forms P902S.
Identifiers: ClinVar variation 4707260 (VCV004707260.1).
Genomic context (GRCh38, chr2:227,283,814, plus strand): 5'-TTTGTTTCCATAGGTGAAGATGGAGTGATTGGGATGATGGGCTTTCCTGGAGCCATTGGC[C>T]CTCCAGGGCCCCCTGGGAACCCAGGCACACCAGGGCAGAGGGGTAAGTGATAGAGTGTCT-3'
Protein context (NP_000082.2, residues 892-912): GMMGFPGAIG[Pro902Ser]PGPPGNPGTP

ClinVar aggregate classification (germline): Uncertain significance (1 of 4 stars; one submission).

gnomAD v4.1: 1 of 1,614,122 alleles (0.000062%); highest among the groups gnomAD compares: Non-Finnish European, 0.000085%; no homozygotes.

Submission:

Labcorp Genetics (formerly Invitae), Labcorp
Classification: Uncertain significance. Last evaluated: 2025-04-19. Review status: criteria provided, single submitter. Criteria: Invitae Variant Classification Sherloc (09022015). Collection method: clinical testing. Allele origin: germline.
Comment: This sequence change replaces proline, which is neutral and non-polar, with serine, which is neutral and polar, at codon 902 of the COL4A3 protein (p.Pro902Ser). This variant is present in population databases (no rsID available, gnomAD 0.0009%). This variant has not been reported in the literature in individuals affected with COL4A3-related conditions. Invitae Evidence Modeling of protein sequence and biophysical properties (such as structural, functional, and spatial information, amino acid conservation, physicochemical variation, residue mobility, and thermodynamic stability) indicates that this missense variant is not expected to disrupt COL4A3 protein function with a negative predictive value of 95%. In summary, the available evidence is currently insufficient to determine the role of this variant in disease. Therefore, it has been classified as a Variant of Uncertain Significance.